The following is an entry in ClinVar:

ClinVar aggregate classification (germline): Uncertain significance (1 of 4 stars; one submission).

Conditions:
Familial cold autoinflammatory syndrome 2 (FCAS2). Identifiers: Orphanet 247868, MedGen C2673198, MONDO:0012724, OMIM 611762.

gnomAD v4.1: 4 of 1,614,198 alleles (0.00025%); highest among the groups gnomAD compares: Non-Finnish European, 0.00034%; no homozygotes.

Submission:

Laboratorio de Genetica e Diagnostico Molecular, Hospital Israelita Albert Einstein
Classification: Uncertain significance for Familial cold autoinflammatory syndrome 2. Last evaluated: 2023-11-17. Review status: criteria provided, single submitter. Criteria: ACMG Guidelines, 2015. Collection method: clinical testing. Allele origin: germline. Affected: yes.
Comment: ACMG classification criteria: PM2 moderate

NM_144687.4(NLRP12):c.2102A>G (p.Tyr701Cys)

Gene: NLRP12 (NLR family pyrin domain containing 12; minus strand). Cytogenetic location: 19q13.42.
Variant type: single nucleotide variant.
Coding change: c.2102A>G on transcript NM_144687.4 (MANE Select); coding-DNA position 2102, A replaced by G.
Protein change: p.Tyr701Cys; replaces tyrosine 701 with cysteine.
Molecular consequence: missense variant.
Genome position (GRCh38, 1-based): chr19:53,807,636, T>C on the plus strand (A>G on the coding strand, the complement: NLRP12 is on the minus strand). VCF-style: chr19-53807636-T-C. GRCh37 (hg19) VCF-style: chr19-54310890-T-C.
Other names: c.2105A>G, p.Tyr702Cys (NM_001277126.2); c.2102A>G, p.Tyr701Cys (NM_001277129.1); short protein forms Y701C, Y702C.
Identifiers: ClinVar variation 4056671 (VCV004056671.1).